The following is an entry in ClinVar:

NM_017799.4(TMEM260):c.998C>T (p.Ser333Leu)

Gene: TMEM260 (transmembrane protein 260; plus strand). Cytogenetic location: 14q22.3.
Variant type: single nucleotide variant.
Coding change: c.998C>T on transcript NM_017799.4 (MANE Select); coding-DNA position 998, C replaced by T.
Protein change: p.Ser333Leu; replaces serine 333 with leucine.
Molecular consequence: missense variant.
Genome position (GRCh38, 1-based): chr14:56,617,239, C>T. VCF-style: chr14-56617239-C-T. GRCh37 (hg19) VCF-style: chr14-57083957-C-T.
Other names: short protein forms S333L.
Identifiers: ClinVar variation 2430741 (VCV002430741.3), dbSNP rs748713567, ClinGen allele CA7199946.
Genomic context (GRCh38, chr14:56,617,239, plus strand): 5'-GTAGGGACAGACAGAATCCATCATTAGTATGGCTTTTTACTGGAATGTTTTGCATTTATT[C>T]ATTGTTCTTTGCTTGGAGAGCAAATTTAGATATTTCAAAACCACTTTTCATGGGTGTGGT-3'
Protein context (NP_060269.3, residues 323-343): WLFTGMFCIY[Ser333Leu]LFFAWRANLD

ClinVar aggregate classification (germline): Uncertain significance. Review status: criteria provided, multiple submitters, no conflicts (2 of 4 stars). 2 submissions from 2 submitters: Uncertain significance (2). Last evaluated 2025-08-12.

Conditions:
Inborn genetic diseases. Identifiers: MedGen C0950123, MeSH D030342.

Allele frequency attached by ClinVar (database versions not stated): gnomAD exomes below 0.00001; ExAC 0.00001.
gnomAD v4.1: 4 of 1,604,932 alleles (0.00025%); highest among the groups gnomAD compares: Non-Finnish European, 0.00034%; no homozygotes.

Submissions (2):

Ambry Genetics
Classification: Uncertain significance for Inborn genetic diseases. Last evaluated: 2025-08-12. Review status: criteria provided, single submitter. Criteria: Ambry Variant Classification Scheme 2023. Collection method: clinical testing. Allele origin: germline.

GeneDx
Classification: Uncertain significance. Last evaluated: 2024-03-21. Review status: criteria provided, single submitter. Criteria: GeneDx Variant Classification Process June 2021. Collection method: clinical testing. Allele origin: germline.
Comment: Not observed at significant frequency in large population cohorts (gnomAD); In silico analysis supports that this missense variant does not alter protein structure/function; Has not been previously published as pathogenic or benign to our knowledge